The following is an entry in ClinVar:

ClinVar aggregate classification (germline): Likely pathogenic (1 of 4 stars; one submission).

Conditions:
Autosomal dominant nonsyndromic hearing loss 67. Also called: Deafness, autosomal dominant 67. Identifiers: Orphanet 90635, MedGen C4084712, MONDO:0014594, OMIM 616340.

Submission:

3billion
Classification: Likely pathogenic for Autosomal dominant nonsyndromic hearing loss 67. Last evaluated: 2025-03-04. Review status: criteria provided, single submitter. Criteria: ACMG Guidelines, 2015. Collection method: clinical testing. Allele origin: germline. Affected: yes.
Comment: The variant is not observed in the gnomAD v4.1.0 dataset. Predicted Consequence/Location: Frameshift: predicted to result in a loss or disruption of normal protein function through nonsense-mediated decay (NMD) or protein truncation. Multiple pathogenic variants are reported downstream of the variant. Therefore, this variant is classified as Likely pathogenic according to the recommendation of ACMG/AMP guideline.

NM_144498.4(OSBPL2):c.160_164del (p.Glu54fs)

Gene: OSBPL2 (oxysterol binding protein like 2; plus strand). Cytogenetic location: 20q13.33.
Variant type: Deletion.
Coding change: c.160_164del on transcript NM_144498.4 (MANE Select); coding-DNA positions 160 to 164, 5 bases deleted (GAGAA; older notation c.160_164delGAGAA).
Protein change: p.Glu54fs; shifts the reading frame from glutamic acid 54.
Molecular consequence: frameshift variant. On other transcripts: 5 prime UTR variant (1), intron variant (1).
Genome position (GRCh38, 1-based): chr20:62,260,103-62,260,107, GAGAA deleted; deleting any 5 consecutive bases within chr20:62,260,101-62,260,107 gives the same sequence; the c. name uses the placement nearest the transcript's 3' end. VCF-style (leftmost placement, unchanged base first): chr20-62260100-CAAGAG-C. GRCh37 (hg19) VCF-style: chr20-60835156-CAAGAG-C.
Other names: c.-207_-203del (NM_001363878.2); c.124_128del, p.Glu42fs (NM_014835.5); c.-184-3513_-184-3509del (NM_001278649.3); short protein forms E42fs, E54fs.
Identifiers: ClinVar variation 4293257 (VCV004293257.1).